The following is an entry in ClinVar:

ClinVar aggregate classification (germline): Likely pathogenic (1 of 4 stars; one submission).

Submission:

Labcorp Genetics (formerly Invitae), Labcorp
Classification: Likely pathogenic. Last evaluated: 2024-03-10. Review status: criteria provided, single submitter. Criteria: Invitae Variant Classification Sherloc (09022015). Collection method: clinical testing. Allele origin: germline.
Comment: This sequence change replaces glycine, which is neutral and non-polar, with arginine, which is basic and polar, at codon 261 of the COL4A5 protein (p.Gly261Arg). This variant is not present in population databases (gnomAD no frequency). This variant has not been reported in the literature in individuals affected with COL4A5-related conditions. Experimental studies and prediction algorithms are not available or were not evaluated, and the functional significance of this variant is currently unknown. This variant disrupts the triple helix domain of COL4A5. Glycine residues within the Gly-Xaa-Yaa repeats of the triple helix domain are required for the structure and stability of fibrillar collagens (PMID: 7695699, 8218237, 19344236). In COL4A5, missense variants at these glycine residues are significantly enriched in individuals with disease (PMID: 23720012, 27627812) compared to the general population (ExAC). In summary, the currently available evidence indicates that the variant is pathogenic, but additional data are needed to prove that conclusively. Therefore, this variant has been classified as Likely Pathogenic.

Literature cited by the submitters: PubMed 7695699; PubMed 8218237; PubMed 19344236; PubMed 23720012; PubMed 27627812.

NM_033380.3(COL4A5):c.781G>C (p.Gly261Arg)

Gene: COL4A5 (collagen type IV alpha 5 chain; plus strand). Cytogenetic location: Xq22.3.
Variant type: single nucleotide variant.
Coding change: c.781G>C on transcript NM_033380.3 (MANE Select); coding-DNA position 781, G replaced by C.
Protein change: p.Gly261Arg; replaces glycine 261 with arginine.
Molecular consequence: missense variant.
Genome position (GRCh38, 1-based): chrX:108,580,533, G>C. VCF-style: chrX-108580533-G-C. GRCh37 (hg19) VCF-style: chrX-107823763-G-C.
Other names: c.781G>C, p.Gly261Arg (NM_000495.5); short protein forms G261R.
Identifiers: ClinVar variation 3645306 (VCV003645306.2).